The following is an entry in ClinVar:

NM_001365536.1(SCN9A):c.4005C>G (p.Phe1335Leu)

Genes: SCN1A-AS1 (SCN1A and SCN9A antisense RNA 1; plus strand), SCN9A (sodium voltage-gated channel alpha subunit 9; minus strand). Cytogenetic location: 2q24.3.
Variant type: single nucleotide variant.
Coding change: c.4005C>G on transcript NM_001365536.1 (MANE Select); coding-DNA position 4005, C replaced by G.
Protein change: p.Phe1335Leu; replaces phenylalanine 1335 with leucine.
Molecular consequence: missense variant.
Genome position (GRCh38, 1-based): chr2:166,228,892, G>C on the plus strand (C>G on the coding strand, the complement: SCN9A is on the minus strand). VCF-style: chr2-166228892-G-C. GRCh37 (hg19) VCF-style: chr2-167085402-G-C.
Other names: c.3972C>G, p.Phe1324Leu (NM_002977.4); short protein forms F1324L, F1335L.
Identifiers: ClinVar variation 1718266 (VCV001718266.6), dbSNP rs2468977222, ClinGen allele CA349064276.
Genomic context (GRCh38, chr2:166,228,892, plus strand): 5'-ATCTGTGGTGTTAATACACTCATAGAACTTGCCAGCAAACAAATTTACTCCCATGATGCT[G>C]AATATCAGCCAGAATATAAGACACACAAGTAGCACATTCATGATGGAAGGAATTGCTCCT-3'
Protein context (NP_001352465.1, residues 1325-1345): LLVCLIFWLI[Phe1335Leu]SIMGVNLFAG

ClinVar aggregate classification (germline): Uncertain significance (1 of 4 stars; one submission).

Conditions:
Generalized epilepsy with febrile seizures plus, type 7 (GEFSP7). Also called: GEFS+, TYPE 7. Identifiers: Orphanet 36387, MedGen C2751778, MONDO:0013470, OMIM 613863.
Neuropathy, hereditary sensory and autonomic, type 2A (HSAN2A). Also called: ACROOSTEOLYSIS, GIACCAI TYPE; ACROOSTEOLYSIS, NEUROGENIC; WNK1-Related HSAN2 (HSAN2A); HSAN IIA; MORVAN DISEASE; NEUROPATHY, CONGENITAL SENSORY. Identifiers: Orphanet 970, MedGen C2752089, MONDO:0024309, OMIM 201300.

Allele frequency attached by ClinVar (database versions not stated): gnomAD exomes below 0.00001.
gnomAD v4.1: 1 of 1,613,460 alleles (0.000062%); highest among the groups gnomAD compares: Non-Finnish European, 0.000085%; no homozygotes.

Submission:

Labcorp Genetics (formerly Invitae), Labcorp
Classification: Uncertain significance for Neuropathy, hereditary sensory and autonomic, type 2A; Generalized epilepsy with febrile seizures plus, type 7. Last evaluated: 2022-08-28. Review status: criteria provided, single submitter. Criteria: Invitae Variant Classification Sherloc (09022015). Collection method: clinical testing. Allele origin: germline.
Comment: In summary, the available evidence is currently insufficient to determine the role of this variant in disease. Therefore, it has been classified as a Variant of Uncertain Significance. Algorithms developed to predict the effect of missense changes on protein structure and function are either unavailable or do not agree on the potential impact of this missense change (SIFT: "Deleterious"; PolyPhen-2: "Probably Damaging"; Align-GVGD: "Class C15"). This variant has not been reported in the literature in individuals affected with SCN9A-related conditions. This variant is not present in population databases (gnomAD no frequency). This sequence change replaces phenylalanine, which is neutral and non-polar, with leucine, which is neutral and non-polar, at codon 1324 of the SCN9A protein (p.Phe1324Leu).